The following is an entry in ClinVar:

NM_000243.3(MEFV):c.1969G>C (p.Val657Leu)

Genes: MEFV (MEFV innate immunity regulator, pyrin; minus strand), LOC126862264 (CDK7 strongly-dependent group 2 enhancer GRCh37_chr16:3293322-3294521; plus strand). Cytogenetic location: 16p13.3.
Variant type: single nucleotide variant.
Coding change: c.1969G>C on transcript NM_000243.3 (MANE Select); coding-DNA position 1969, G replaced by C.
Protein change: p.Val657Leu; replaces valine 657 with leucine.
Molecular consequence: missense variant. On other transcripts: 3 prime UTR variant (1).
Genome position (GRCh38, 1-based): chr16:3,243,518, C>G on the plus strand (G>C on the coding strand, the complement: MEFV is on the minus strand). VCF-style: chr16-3243518-C-G. GRCh37 (hg19) VCF-style: chr16-3293518-C-G.
Other names: c.*173G>C (NM_001198536.2); short protein forms V657L.
Identifiers: ClinVar variation 2192659 (VCV002192659.4), dbSNP rs1958892149, ClinGen allele CA394487290.

ClinVar aggregate classification (germline): Uncertain significance (1 of 4 stars; one submission).

Conditions:
Familial Mediterranean fever (FMF). Also called: POLYSEROSITIS, FAMILIAL PAROXYSMAL; POLYSEROSITIS, RECURRENT; Periodic peritonitis; Benign paroxysmal peritonitis. Identifiers: Orphanet 342, MedGen C0031069, MONDO:0018088, OMIM 249100. Disease mechanism: gain of function.

Submission:

Labcorp Genetics (formerly Invitae), Labcorp
Classification: Uncertain significance for Familial Mediterranean fever. Last evaluated: 2022-07-15. Review status: criteria provided, single submitter. Criteria: Invitae Variant Classification Sherloc (09022015). Collection method: clinical testing. Allele origin: germline.
Comment: This variant is not present in population databases (gnomAD no frequency). This sequence change replaces valine, which is neutral and non-polar, with leucine, which is neutral and non-polar, at codon 657 of the MEFV protein (p.Val657Leu). In summary, the available evidence is currently insufficient to determine the role of this variant in disease. Therefore, it has been classified as a Variant of Uncertain Significance. Algorithms developed to predict the effect of missense changes on protein structure and function are either unavailable or do not agree on the potential impact of this missense change (SIFT: "Deleterious"; PolyPhen-2: "Probably Damaging"; Align-GVGD: "Class C0"). This variant has not been reported in the literature in individuals affected with MEFV-related conditions.